The following is an entry in ClinVar:

NM_194454.3(KRIT1):c.728G>A (p.Arg243Gln)

Gene: KRIT1 (KRIT1 ankyrin repeat containing; minus strand). Cytogenetic location: 7q21.2.
Variant type: single nucleotide variant.
Coding change: c.728G>A on transcript NM_194454.3 (MANE Select); coding-DNA position 728, G replaced by A.
Protein change: p.Arg243Gln; replaces arginine 243 with glutamine.
Molecular consequence: missense variant. On other transcripts: intron variant (1).
Genome position (GRCh38, 1-based): chr7:92,235,404, C>T on the plus strand (G>A on the coding strand, the complement: KRIT1 is on the minus strand). VCF-style: chr7-92235404-C-T. GRCh37 (hg19) VCF-style: chr7-91864718-C-T.
Other names: c.728G>A, p.Arg243Gln (NM_001013406.2, NM_001350669.1, NM_001350670.1 and 29 more transcripts); c.15+130G>A (NM_001350671.1); short protein forms R243Q.
Identifiers: ClinVar variation 2739261 (VCV002739261.4), dbSNP rs755359146, ClinGen allele CA4339327.

ClinVar aggregate classification (germline): Uncertain significance. Review status: criteria provided, multiple submitters, no conflicts (2 of 4 stars). 2 submissions from 2 submitters: Uncertain significance (2). Last evaluated 2025-05-08.

Conditions:
Cerebral cavernous malformation (CCM). Also called: CEREBRAL CAPILLARY MALFORMATIONS; Cerebral cavernous malformations; Cavernous Hemangioma of Brain; CAVERNOUS ANGIOMA, FAMILIAL; CAVERNOUS ANGIOMATOUS MALFORMATIONS; Cerebral cavernous hemangioma (type). Identifiers: Orphanet 221061, MedGen C2919945, MONDO:0000820, OMIM 116860, HP:0033522.

Allele frequency attached by ClinVar (database versions not stated): ExAC 0.00001; gnomAD 0.00001; TOPMed 0.00003.
gnomAD v4.1: 9 of 1,613,442 alleles (0.00056%); highest among the groups gnomAD compares: Admixed American, 0.01%; no homozygotes.

Submissions (2):

Clinical Genomics Laboratory, Washington University in St. Louis
Classification: Uncertain significance for Cerebral cavernous malformation. Last evaluated: 2025-05-08. Review status: criteria provided, single submitter. Criteria: ACMG Guidelines, 2015. Collection method: clinical testing. Allele origin: germline.
Comment: A KRIT1 c.728G>A (p.Arg243Gln) variant was identified at a near heterozygous allelic fraction of 46.1%, a frequency which may be consistent with it being of germline origin. This variant, to our knowledge, is not reported in the medical literature. This variant has been reported in the ClinVar database as a germline variant of uncertain significance by one submitter (ClinVar Variation ID: 2739261). It is observed on 9/1,613,442 alleles in the general population (gnomAD v.4.1.0), indicating it is not a common variant. Computational predictors are uncertain as to the impact of this variant on the KRIT1 function. Due to limited information and based on the ACMG/AMP guidelines for variant interpretation (Richards S et al., PMID: 25741868), the clinical significance of the KRIT1 c.728G>A (p.Arg243Gln) variant is uncertain at this time.

Labcorp Genetics (formerly Invitae), Labcorp
Classification: Uncertain significance for Cerebral cavernous malformation. Last evaluated: 2023-05-11. Review status: criteria provided, single submitter. Criteria: Invitae Variant Classification Sherloc (09022015). Collection method: clinical testing. Allele origin: germline.
Comment: In summary, the available evidence is currently insufficient to determine the role of this variant in disease. Therefore, it has been classified as a Variant of Uncertain Significance. Algorithms developed to predict the effect of sequence changes on RNA splicing suggest that this variant may create or strengthen a splice site. An algorithm developed to predict the effect of missense changes on protein structure and function (PolyPhen-2) suggests that this variant is likely to be tolerated. This variant has not been reported in the literature in individuals affected with KRIT1-related conditions. This variant is present in population databases (rs755359146, gnomAD 0.009%). This sequence change replaces arginine, which is basic and polar, with glutamine, which is neutral and polar, at codon 243 of the KRIT1 protein (p.Arg243Gln).